The following is an entry in ClinVar:

ClinVar aggregate classification (germline): Likely benign. Review status: criteria provided, multiple submitters, no conflicts (2 of 4 stars). 2 submissions from 2 submitters: Likely benign (2). Last evaluated 2025-01-09.

Conditions:
Familial hypobetalipoproteinemia 1. Also called: APOB-Related Familial Hypobetalipoproteinemia; Hypobetalipoproteinemia, normotriglyceridemic; Acanthocytosis with hypobetalipoproteinemia. Identifiers: MedGen C4551990, MONDO:0014252, OMIM 615558.
Hypercholesterolemia, autosomal dominant, type B (FHCL2). Also called: Familial Hypercholesterolemia Type B; APOLIPOPROTEIN B-100, FAMILIAL DEFECTIVE; APOLIPOPROTEIN B-100, FAMILIAL LIGAND-DEFECTIVE; HYPERCHOLESTEROLEMIA, FAMILIAL, DUE TO LIGAND-DEFECTIVE APOLIPOPROTEIN B; Hyperlipoproteinemia Type IIb; Familial hypercholesterolemia 2. Identifiers: MedGen C1704417, MONDO:0007751, OMIM 144010.
Familial hypercholesterolemia. Also called: Familial hypercholesterolemias; Familial hypercholesterolaemia. Identifiers: MedGen C0020445, MONDO:0005439.

Allele frequency attached by ClinVar (database versions not stated): gnomAD exomes below 0.00001; gnomAD 0.00001.
gnomAD v4.1: 2 of 1,606,688 alleles (0.00012%); highest among the groups gnomAD compares: African/African-American, 0.0013%; no homozygotes.

Submissions (2):

GENinCode PLC
Classification: Likely benign for Familial hypercholesterolemia. Last evaluated: 2025-01-09. Review status: criteria provided, single submitter. Criteria: ACMG Guidelines, 2015. Collection method: clinical testing. Allele origin: germline.
Comment: This is a synonymous (silent) variant that is not predicted to impact splicing and occurs at a nucleotide which is not highly conserved. This variant has been classified as Likely Benign (BP4, BP7).

Labcorp Genetics (formerly Invitae), Labcorp
Classification: Likely benign for Familial hypobetalipoproteinemia 1; Hypercholesterolemia, autosomal dominant, type B. Last evaluated: 2024-09-17. Review status: criteria provided, single submitter. Criteria: Invitae Variant Classification Sherloc (09022015). Collection method: clinical testing. Allele origin: germline.

NM_000384.3(APOB):c.12957G>A (p.Glu4319=)

Gene: APOB (apolipoprotein B; minus strand). Cytogenetic location: 2p24.1.
Variant type: single nucleotide variant.
Coding change: c.12957G>A on transcript NM_000384.3 (MANE Select); coding-DNA position 12957, G replaced by A.
Protein change: p.Glu4319=; no amino-acid change (glutamic acid 4319 retained).
Molecular consequence: synonymous variant.
Genome position (GRCh38, 1-based): chr2:21,002,465, C>T on the plus strand (G>A on the coding strand, the complement: APOB is on the minus strand). VCF-style: chr2-21002465-C-T. GRCh37 (hg19) VCF-style: chr2-21225337-C-T.
Other names: c.12957G>A (NM_000384.2).
Identifiers: ClinVar variation 2931555 (VCV002931555.4), dbSNP rs1663011038, ClinGen allele CA425342060.